The following is an entry in ClinVar:

ClinVar aggregate classification (germline): Pathogenic/Likely pathogenic. Review status: criteria provided, multiple submitters, no conflicts (2 of 4 stars). 4 submissions from 4 submitters: Pathogenic (2); Likely pathogenic (2). Last evaluated 2024-11-21.

Conditions:
Arrhythmogenic right ventricular dysplasia 8 (ARVD8). Also called: Arrhythmogenic Right Ventricular Dysplasia/Cardiomyopathy 8; ARRHYTHMOGENIC RIGHT VENTRICULAR DYSPLASIA, FAMILIAL, 8; ARRHYTHMOGENIC RIGHT VENTRICULAR CARDIOMYOPATHY 8. Identifiers: MedGen C1843896, MONDO:0011831, OMIM 607450.
Lethal acantholytic epidermolysis bullosa (EBLA). Identifiers: Orphanet 158687, MedGen C1864826, MONDO:0012323, OMIM 609638.
Arrhythmogenic cardiomyopathy with wooly hair and keratoderma. Also called: Carvajal syndrome; Dilated cardiomyopathy with woolly hair and keratoderma; Arrhythmogenic cardiomyopathy with woolly hair and keratoderma; PALMOPLANTAR KERATODERMA WITH LEFT VENTRICULAR CARDIOMYOPATHY AND WOOLLY HAIR. Identifiers: Orphanet 65282, MedGen C1854063, MONDO:0011581, OMIM 605676.
Woolly hair-skin fragility syndrome (WHSF). Identifiers: Orphanet 293165, MedGen C1843292, MONDO:0957307, OMIM 620415.
Keratosis palmoplantaris striata 2. Also called: KERATODERMA, PALMOPLANTAR, STRIATE FORM II; STRIATE PALMOPLANTAR KERATODERMA II; Keratosis palmoplantaris striata II. Identifiers: MedGen C1852127, MONDO:0013034, OMIM 612908.
Cardiomyopathy, dilated, with wooly hair, keratoderma, and tooth agenesis. Also called: Cardiomyopathy, dilated, with woolly hair, keratoderma, and tooth agenesis; Erythrokeratodermia-cardiomyopathy syndrome. Identifiers: Orphanet 476096, Orphanet 65282, MedGen C4014393, MONDO:0014355, OMIM 615821.
Cardiomyopathy (CMYO). Also called: Cardiomyopathies. Identifiers: Orphanet 167848, MedGen C0878544, MONDO:0004994, HP:0001638. Inheritance: Various modes of inheritance.
Cardiovascular phenotype. Identifiers: MedGen CN230736.

Submissions (4):

Ambry Genetics
Classification: Pathogenic for Cardiovascular phenotype. Last evaluated: 2024-11-21. Review status: criteria provided, single submitter. Criteria: Ambry Variant Classification Scheme 2023. Collection method: clinical testing. Allele origin: germline.
Comment: The c.4037_4041delATGAA (p.N1346Tfs*3) alteration, located in exon 23 (coding exon 23) of the DSP gene, consists of a deletion of 5 nucleotides from position 4037 to 4041, causing a translational frameshift with a predicted alternate stop codon after 3 amino acids. This alteration is expected to result in loss of function by premature protein truncation or nonsense-mediated mRNA decay. This variant was not reported in population-based cohorts in the Genome Aggregation Database (gnomAD). This variant has been reported in two individuals from the same family in a cardiomyopathy cohort but clinical details were limited (Carruth, 2021). Based on the available evidence, this alteration is classified as pathogenic.

Fulgent Genetics
Classification: Likely pathogenic for Arrhythmogenic cardiomyopathy with wooly hair and keratoderma; Arrhythmogenic right ventricular dysplasia 8; Lethal acantholytic epidermolysis bullosa; Keratosis palmoplantaris striata 2; Cardiomyopathy, dilated, with wooly hair, keratoderma, and tooth agenesis. Last evaluated: 2021-09-02. Review status: criteria provided, single submitter. Criteria: ACMG Guidelines, 2015. Collection method: clinical testing. Allele origin: unknown.

Laboratory for Molecular Medicine, Mass General Brigham Personalized Medicine
Classification: Likely pathogenic for Cardiomyopathy. Last evaluated: 2018-07-03. Review status: criteria provided, single submitter. Criteria: LMM Criteria. Collection method: clinical testing. Allele origin: germline. Inheritance: Autosomal dominant inheritance. Observed: 1 variant allele.
Comment: The p.Asn1346ThrfsX3 variant in DSP has not been previously reported in individu als with cardiomyopathy and was absent from large population studies. This varia nt is located within exon 23 of DSP which undergoes alternative splicing resulti ng in two isoforms: one with a shorter and one with a longer form of this exon. This variant is only located in the coding region of the longer isoform. In that transcript, this variant is predicted to cause a frameshift, which alters the p rotein?s amino acid sequence beginning at position 1346 and leads to a premature termination codon 3 amino acids downstream. This alteration is then predicted t o lead to a truncated or absent protein. Loss-of-function variants in the longer form of exon 23 have been observed in individuals with ARVC and/or DCM, suggest ing that loss-of-function variants in this region are likely to be disease causi ng (LMM data). In summary, although additional studies are required to fully est ablish its clinical significance, the p.Asn1346ThrfsX3 variant is likely pathoge nic. ACMG/AMP Criteria applied: PVS1, PM2.

Labcorp Genetics (formerly Invitae), Labcorp
Classification: Pathogenic for Dilated cardiomyopathy with woolly hair and keratoderma; Arrhythmogenic right ventricular cardiomyopathy, type 8. Last evaluated: 2018-06-12. Review status: criteria provided, single submitter. Criteria: Invitae Variant Classification Sherloc (09022015). Collection method: clinical testing. Allele origin: germline.
Comment: This sequence change creates a premature translational stop signal (p.Asn1346Thrfs*3) in the DSP gene. It is expected to result in an absent or disrupted protein product. This variant is not present in population databases (ExAC no frequency). This variant has not been reported in the literature in individuals with DSP-related disease. Loss-of-function variants in DSP are known to be pathogenic (PMID: 20716751, 24503780, 25227139). For these reasons, this variant has been classified as Pathogenic.

Literature cited by the submitters: PubMed 33684294 (cited by Ambry Genetics).

NM_004415.4(DSP):c.4037_4041del (p.Asn1346fs)

Gene: DSP (desmoplakin; plus strand). Cytogenetic location: 6p24.3.
Variant type: Deletion.
Coding change: c.4037_4041del on transcript NM_004415.4 (MANE Select); coding-DNA positions 4037 to 4041, 5 bases deleted (ATGAA; older notation c.4037_4041delATGAA).
Protein change: p.Asn1346fs; shifts the reading frame from asparagine 1346.
Molecular consequence: frameshift variant. On other transcripts: intron variant (1).
Genome position (GRCh38, 1-based): chr6:7,580,227-7,580,231, ATGAA deleted; deleting any 5 consecutive bases within chr6:7,580,225-7,580,231 gives the same sequence; the c. name uses the placement nearest the transcript's 3' end. VCF-style (leftmost placement, unchanged base first): chr6-7580224-AAAATG-A. GRCh37 (hg19) VCF-style: chr6-7580457-AAAATG-A.
Other names: c.4037_4041del (LRG_423t1); c.4037_4041del, p.Asn1346fs (NM_001319034.2); c.3582+455_3582+459del (NM_001008844.3); short protein forms N1346fs.
Identifiers: ClinVar variation 570298 (VCV000570298.7), dbSNP rs1561698362, ClinGen allele CA891843112.
Genomic context (GRCh38, chr6:7,580,224, plus strand): 5'-AGGAGATCGAGAGACTCAAAGCTGAGTTTCAGGAGGAGGCCAAGCGCCGCTGGGAATATG[AAAATG>A]AACTGAGTAAGGTAAGAAACAATTATGATGAGGAGATCATTAGCTTAAAAAATCAGTTTG-3'